The following is an entry in ClinVar:

ClinVar aggregate classification (germline): Pathogenic/Likely pathogenic. Review status: criteria provided, multiple submitters, no conflicts (2 of 4 stars). 2 submissions from 2 submitters: Pathogenic (1); Likely pathogenic (1). Last evaluated 2025-08-21.

Conditions:
Congenital disorder of glycosylation, type Iaa. Also called: Congenital disorder of glycosylation, type 1aa. Identifiers: MedGen C4310727, MONDO:0014904, OMIM 617082.
NUS1-related epilepsy-myoclonus-ataxia syndrome.

Allele frequency attached by ClinVar (database versions not stated): gnomAD exomes below 0.00001.
gnomAD v4.1: 1 of 1,612,154 alleles (0.000062%); highest among the groups gnomAD compares: Non-Finnish European, 0.000085%; no homozygotes.

Submissions (2):

Labcorp Genetics (formerly Invitae), Labcorp
Classification: Pathogenic for Congenital disorder of glycosylation, type Iaa. Last evaluated: 2025-08-21. Review status: criteria provided, single submitter. Criteria: Invitae Variant Classification Sherloc (09022015). Collection method: clinical testing. Allele origin: germline.
Comment: This sequence change replaces arginine, which is basic and polar, with cysteine, which is neutral and slightly polar, at codon 290 of the NUS1 protein (p.Arg290Cys). This variant is not present in population databases (gnomAD no frequency). This missense change has been observed in individual(s) with clinical features of NUS1-related conditions (PMID: 35949226; internal data). In at least one individual the variant was observed to be de novo. ClinVar contains an entry for this variant (Variation ID: 1492830). An algorithm developed to predict the effect of missense changes on protein structure and function (PolyPhen-2) suggests that this variant is likely to be disruptive. For these reasons, this variant has been classified as Pathogenic.

Undiagnosed Diseases Network, NIH
Classification: Likely pathogenic for NUS1-related epilepsy-myoclonus-ataxia syndrome. Last evaluated: 2024-09-17. Review status: criteria provided, single submitter. Criteria: ACMG Guidelines, 2015. Collection method: clinical testing. Allele origin: unknown. Affected: yes. Observed: 1 heterozygote. Study: Undiagnosed Diseases Network (NIH), UDN.

Literature cited by the submitters: PubMed 35949226 (cited by Labcorp Genetics (formerly Invitae), Labcorp and Undiagnosed Diseases Network, NIH).

NM_138459.5(NUS1):c.868C>T (p.Arg290Cys)

Gene: NUS1 (NUS1 dehydrodolichyl diphosphate synthase subunit; plus strand). Cytogenetic location: 6q22.1.
Variant type: single nucleotide variant.
Coding change: c.868C>T on transcript NM_138459.5 (MANE Select); coding-DNA position 868, C replaced by T.
Protein change: p.Arg290Cys; replaces arginine 290 with cysteine.
Molecular consequence: missense variant.
Genome position (GRCh38, 1-based): chr6:117,707,001, C>T. VCF-style: chr6-117707001-C-T. GRCh37 (hg19) VCF-style: chr6-118028164-C-T.
Other names: p.Arg290Cys; short protein forms R290C.
Identifiers: ClinVar variation 1492830 (VCV001492830.9), dbSNP rs2114696019, ClinGen allele CA365537661.